The following is an entry in ClinVar:

NM_001270974.2(HYDIN):c.2047G>T (p.Glu683Ter)

Gene: HYDIN (HYDIN axonemal central pair apparatus protein; minus strand). Cytogenetic location: 16q22.2.
Variant type: single nucleotide variant.
Coding change: c.2047G>T on transcript NM_001270974.2 (MANE Select); coding-DNA position 2047, G replaced by T.
Protein change: p.Glu683Ter; replaces glutamic acid 683 with a stop codon.
Molecular consequence: nonsense.
Genome position (GRCh38, 1-based): chr16:71,067,318, C>A on the plus strand (G>T on the coding strand, the complement: HYDIN is on the minus strand). VCF-style: chr16-71067318-C-A. GRCh37 (hg19) VCF-style: chr16-71101221-C-A.
Other names: c.2128G>T, p.Glu710Ter (NM_001198542.1); c.2098G>T, p.Glu700Ter (NM_001198543.1); c.2047G>T, p.Glu683Ter (NM_017558.5); short protein forms E683*, E700*, E710*.
Identifiers: ClinVar variation 3893230 (VCV003893230.1).
Genomic context (GRCh38, chr16:71,067,318, plus strand): 5'-ACTCAGGAGAAGAGCAAGCTGGGGAGCAATACCTTGCTGTAATTAAGAGCGCCAGCACCT[C>A]TTCTCCGATGCCCTCCACGTCCACCACGAGTGCCAGCTCGTATTTCTGCACAGTGTTGGA-3'

ClinVar aggregate classification (germline): Pathogenic/Likely pathogenic. Review status: criteria provided, multiple submitters, no conflicts (2 of 4 stars). 2 submissions from 2 submitters: Pathogenic (1); Likely pathogenic (1). Last evaluated 2025-03-19.

Conditions:
Primary ciliary dyskinesia 5. Also called: CILIARY DYSKINESIA, PRIMARY, 5, WITHOUT SITUS INVERSUS. Identifiers: Orphanet 244, MedGen C1837615, MONDO:0012088, OMIM 608647.

Submissions (2):

Women's Health and Genetics/Laboratory Corporation of America, LabCorp
Classification: Pathogenic for Primary ciliary dyskinesia 5. Last evaluated: 2025-03-19. Review status: criteria provided, single submitter. Criteria: LabCorp Variant Classification Summary - May 2015. Collection method: clinical testing. Allele origin: germline.
Comment: Variant summary: HYDIN c.2047G>T (p.Glu683X) results in a premature termination codon, predicted to cause a truncation of the encoded protein or absence of the protein due to nonsense mediated decay, which are commonly known mechanisms for disease. The variant allele was found at a frequency of 4e-06 in 250174 control chromosomes. To our knowledge, no occurrence of c.2047G>T in individuals affected with Primary Ciliary Dyskinesia 5 and no experimental evidence demonstrating its impact on protein function have been reported. No submitters have cited clinical-significance assessments for this variant to ClinVar. Based on the evidence outlined above, the variant was classified as pathogenic.

Illumina Laboratory Services, Illumina
Classification: Likely pathogenic for Primary ciliary dyskinesia 5. Last evaluated: 2024-06-28. Review status: criteria provided, single submitter. Criteria: ICSLVariantClassificationCriteria RUGD 01 April 2020. Collection method: clinical testing. Allele origin: unknown.
Comment: The HYDIN c.2047G>T p.(Glu683Ter) nonsense variant results in the loss of normal protein function through either protein truncation or nonsense-mediated mRNA decay. This variant is reported in the Genome Aggregation Database in six alleles at a frequency of 0.006579 in the Amish population (version 4.1.0). Based on the available evidence, the c.2047G>T p.(Glu683Ter) variant is classified as likely pathogenic for primary ciliary dyskinesia.